The following is an entry in ClinVar:

ClinVar aggregate classification (germline): Uncertain significance (1 of 4 stars; one submission).

Conditions:
Malignant hyperthermia, susceptibility to, 1 (MHS1). Also called: Anesthesia related hyperthermia; Malignant hyperpyrexia; Fulminating hyperpyrexia; Pharmacogenic myopathy; RYR1-Related Malignant Hyperthermia Susceptibility; Malignant hyperthermia suceptibility 1. Identifiers: Orphanet 423, MedGen C2930980, MONDO:0007783, OMIM 145600.

Submission:

All of Us Research Program, National Institutes of Health
Classification: Uncertain significance for Malignant hyperthermia, susceptibility to, 1. Last evaluated: 2024-08-13. Review status: criteria provided, single submitter. Criteria: ACMG Guidelines, 2015. Collection method: clinical testing. Allele origin: germline. Inheritance: Autosomal dominant inheritance. Observed: 1 variant allele, 1 heterozygote.
Comment: This missense variant replaces valine with methionine at codon 1519 of the RYR1 protein. Computational prediction suggests that this variant may not impact protein structure and function (internally defined REVEL score threshold <= 0.5, PMID: 27666373). To our knowledge, functional studies have not been reported for this variant. This variant has not been reported in individuals affected with RYR1-related disorders in the literature. This variant has not been identified in the general population by the Genome Aggregation Database (gnomAD). The available evidence is insufficient to determine the role of this variant in disease conclusively. Therefore, this variant is classified as a Variant of Uncertain Significance.

This study involves interpretation of variants in research participants for the purpose of population health screening. Participant phenotype was not available at the time of variant classification. Additional details can be found in publication PMID: 35346344, PMCID: PMC8962531

NM_000540.3(RYR1):c.4555G>A (p.Val1519Met)

Gene: RYR1 (ryanodine receptor 1; plus strand). Cytogenetic location: 19q13.2.
Variant type: single nucleotide variant.
Coding change: c.4555G>A on transcript NM_000540.3 (MANE Select); coding-DNA position 4555, G replaced by A.
Protein change: p.Val1519Met; replaces valine 1519 with methionine.
Molecular consequence: missense variant.
Genome position (GRCh38, 1-based): chr19:38,478,535, G>A. VCF-style: chr19-38478535-G-A. GRCh37 (hg19) VCF-style: chr19-38969175-G-A.
Other names: c.4555G>A, p.Val1519Met (NM_001042723.2); short protein forms V1519M.
Identifiers: ClinVar variation 3387715 (VCV003387715.1).